The following is an entry in ClinVar:

NM_001110556.2(FLNA):c.1739G>A (p.Arg580Gln)

Gene: FLNA (filamin A; minus strand). Cytogenetic location: Xq28.
Variant type: single nucleotide variant.
Coding change: c.1739G>A on transcript NM_001110556.2 (MANE Select); coding-DNA position 1739, G replaced by A.
Protein change: p.Arg580Gln; replaces arginine 580 with glutamine.
Molecular consequence: missense variant.
Genome position (GRCh38, 1-based): chrX:154,364,910, C>T on the plus strand (G>A on the coding strand, the complement: FLNA is on the minus strand). VCF-style: chrX-154364910-C-T. GRCh37 (hg19) VCF-style: chrX-153593278-C-T.
Other names: c.1739G>A, p.Arg580Gln (NM_001456.4); c.1739G>A (NM_001456.3); short protein forms R580Q.
Identifiers: ClinVar variation 2946595 (VCV002946595.4), dbSNP rs2067744457, ClinGen allele CA415242642.

ClinVar aggregate classification (germline): Uncertain significance. Review status: criteria provided, multiple submitters, no conflicts (2 of 4 stars). 2 submissions from 2 submitters: Uncertain significance (2). Last evaluated 2026-02-14.

Conditions:
Oto-palato-digital syndrome, type II (OPD2). Also called: FACIOPALATOOSSEOUS SYNDROME; OPD II SYNDROME; Otopalatodigital Syndrome, Type II; Otopalatodigital Syndrome Type 2 (FLNA-OPD2). Identifiers: Orphanet 669, Orphanet 90652, MedGen C1844696, MONDO:0010571, OMIM 304120.
Heterotopia, periventricular, X-linked dominant (PVNH1). Also called: PERIVENTRICULAR NODULAR HETEROTOPIA 1; X-linked periventricular heterotopia; PERIVENTRICULAR NODULAR HETEROTOPIA 4; HETEROTOPIA, PERIVENTRICULAR, 1. Identifiers: Orphanet 2149, Orphanet 82004, MedGen C1848213, MONDO:0010233, OMIM 300049.
Frontometaphyseal dysplasia (FMD1). Identifiers: Orphanet 1826, MedGen C0265293, MONDO:0015942.
Melnick-Needles syndrome (MNS). Also called: MELNICK-NEEDLES OSTEODYSPLASTY; OSTEODYSPLASTY OF MELNICK AND NEEDLES; Melnick-Needles Syndrome (FLNA-MNS). Identifiers: Orphanet 2484, MedGen C0025237, MONDO:0010650, OMIM 309350.
Familial thoracic aortic aneurysm and aortic dissection (TAAD). Also called: Thoracic aortic aneurysms and dissections. Identifiers: Orphanet 91387, MedGen C4707243, MONDO:0019625.

Allele frequency attached by ClinVar (database versions not stated): gnomAD exomes below 0.00001; TOPMed below 0.00001; gnomAD 0.00001.
gnomAD v4.1: 3 of 1,210,125 alleles (0.00025%); highest among the groups gnomAD compares: Non-Finnish European, 0.00022%; no homozygotes.

Submissions (2):

Ambry Genetics
Classification: Uncertain significance for Familial thoracic aortic aneurysm and aortic dissection. Last evaluated: 2026-02-14. Review status: criteria provided, single submitter. Criteria: Ambry Variant Classification Scheme 2023. Collection method: clinical testing. Allele origin: germline.
Comment: The p.R580Q variant (also known as c.1739G>A), located in coding exon 11 of the FLNA gene, results from a G to A substitution at nucleotide position 1739. The arginine at codon 580 is replaced by glutamine, an amino acid with highly similar properties. This amino acid position is conserved. In addition, the in silico prediction for this alteration is inconclusive. Based on the available evidence, the clinical significance of this variant remains unclear.

Labcorp Genetics (formerly Invitae), Labcorp
Classification: Uncertain significance for Oto-palato-digital syndrome, type II; Heterotopia, periventricular, X-linked dominant; Frontometaphyseal dysplasia; Melnick-Needles syndrome. Last evaluated: 2024-10-07. Review status: criteria provided, single submitter. Criteria: Invitae Variant Classification Sherloc (09022015). Collection method: clinical testing. Allele origin: germline.
Comment: This sequence change replaces arginine, which is basic and polar, with glutamine, which is neutral and polar, at codon 580 of the FLNA protein (p.Arg580Gln). This variant is not present in population databases (gnomAD no frequency). This variant has not been reported in the literature in individuals affected with FLNA-related conditions. Invitae Evidence Modeling of protein sequence and biophysical properties (such as structural, functional, and spatial information, amino acid conservation, physicochemical variation, residue mobility, and thermodynamic stability) indicates that this missense variant is not expected to disrupt FLNA protein function with a negative predictive value of 95%. In summary, the available evidence is currently insufficient to determine the role of this variant in disease. Therefore, it has been classified as a Variant of Uncertain Significance.